The following is an entry in ClinVar:

ClinVar aggregate classification (germline): Conflicting classifications of pathogenicity. Review status: criteria provided, conflicting classifications (1 of 4 stars). 5 submissions from 5 submitters: Uncertain significance (4); Likely benign (1). Last evaluated 2024-01-27.

Conditions:
Familial adenomatous polyposis 2. Also called: MUTYH-related attenuated familial adenomatous polyposis; COLORECTAL ADENOMATOUS POLYPOSIS, AUTOSOMAL RECESSIVE; ADENOMAS, MULTIPLE COLORECTAL, AUTOSOMAL RECESSIVE; MYH-associated polyposis; FAP type 2; MUTYH Polyposis. Identifiers: Orphanet 220460, Orphanet 247798, MedGen C3272841, MONDO:0012041, OMIM 608456.
Gastric cancer. Also called: Stomach cancer; Malignant tumor of stomach. Identifiers: MedGen C0024623, MeSH D013274, MONDO:0001056, OMIM 613659, HP:0012126.
Hereditary cancer-predisposing syndrome. Also called: Tumor predisposition; Hereditary neoplastic syndrome; Neoplastic Syndromes, Hereditary; Hereditary Cancer Syndrome. Identifiers: Orphanet 140162, MedGen C0027672, MeSH D009386, MONDO:0015356.

Submissions (5):

Fulgent Genetics
Classification: Uncertain significance for Familial adenomatous polyposis 2; Gastric cancer. Last evaluated: 2024-01-27. Review status: criteria provided, single submitter. Criteria: ACMG Guidelines, 2015. Collection method: clinical testing. Allele origin: germline.

Labcorp Genetics (formerly Invitae), Labcorp
Classification: Uncertain significance for Familial adenomatous polyposis 2. Last evaluated: 2024-01-19. Review status: criteria provided, single submitter. Criteria: Invitae Variant Classification Sherloc (09022015). Collection method: clinical testing. Allele origin: germline.
Comment: This sequence change replaces glutamine, which is neutral and polar, with arginine, which is basic and polar, at codon 478 of the MUTYH protein (p.Gln478Arg). This variant is not present in population databases (gnomAD no frequency). This missense change has been observed in individual(s) with a history of Lynch syndrome-associated cancer and/or colorectal polyps (PMID: 25980754). ClinVar contains an entry for this variant (Variation ID: 464695). Algorithms developed to predict the effect of missense changes on protein structure and function output the following: SIFT: "Not Available"; PolyPhen-2: "Benign"; Align-GVGD: "Not Available". The arginine amino acid residue is found in multiple mammalian species, which suggests that this missense change does not adversely affect protein function. In summary, the available evidence is currently insufficient to determine the role of this variant in disease. Therefore, it has been classified as a Variant of Uncertain Significance.

Baylor Genetics
Classification: Uncertain significance for Familial adenomatous polyposis 2. Last evaluated: 2023-12-15. Review status: criteria provided, single submitter. Criteria: ACMG Guidelines, 2015. Collection method: clinical testing. Allele origin: unknown.

Color Diagnostics, LLC DBA Color Health
Classification: Uncertain significance for Hereditary cancer-predisposing syndrome. Last evaluated: 2019-06-30. Review status: criteria provided, single submitter. Criteria: ACMG Guidelines, 2015. Collection method: clinical testing. Allele origin: germline.

Ambry Genetics
Classification: Likely benign for Hereditary cancer-predisposing syndrome. Last evaluated: 2018-08-23. Review status: criteria provided, single submitter. Criteria: Ambry Variant Classification Scheme 2023. Collection method: clinical testing. Allele origin: germline.

Literature cited by the submitters: PubMed 25980754 (cited by Labcorp Genetics (formerly Invitae), Labcorp and Ambry Genetics).

NM_001048174.2(MUTYH):c.1349A>G (p.Gln450Arg)

Gene: MUTYH (mutY DNA glycosylase; minus strand). Cytogenetic location: 1p34.1.
Variant type: single nucleotide variant.
Coding change: c.1349A>G on transcript NM_001048174.2 (MANE Select); coding-DNA position 1349, A replaced by G.
Protein change: p.Gln450Arg; replaces glutamine 450 with arginine.
Molecular consequence: missense variant. On other transcripts: non-coding transcript variant (2).
Genome position (GRCh38, 1-based): chr1:45,331,225, T>C on the plus strand (A>G on the coding strand, the complement: MUTYH is on the minus strand). VCF-style: chr1-45331225-T-C. GRCh37 (hg19) VCF-style: chr1-45796897-T-C.
Other names: c.1349A>G, p.Gln450Arg (NM_001048171.2, NM_001048173.2, NM_001293195.2); c.1352A>G, p.Gln451Arg (NM_001048172.2); c.1433A>G, p.Gln478Arg (NM_001128425.2); c.1394A>G, p.Gln465Arg (NM_001293190.2); c.1382A>G, p.Gln461Arg (NM_001293191.2); c.1073A>G, p.Gln358Arg (NM_001293192.2, NM_001293196.2); c.1004A>G, p.Gln335Arg (NM_001350650.2, NM_001350651.2); c.1424A>G, p.Gln475Arg (NM_012222.3); short protein forms Q478R, Q335R, Q358R, Q461R, Q465R, Q475R, Q450R, Q451R.
Identifiers: ClinVar variation 464695 (VCV000464695.17), dbSNP rs774607582, ClinGen allele CA340132596.
Genomic context (GRCh38, chr1:45,331,225, plus strand): 5'-GACAACAAAGGTAGTGCCTTTTTCATGGCGGTGGAAACAGCTGCGGTGTGAAATTCCTCC[T>C]GCGTCAGCCAGCGAGCACCTGGTGGTACGGTGGTCACTGGGGTCTGCCCTTCCAAGGCCA-3'
Protein context (NP_001041639.1, residues 440-460): TVPPGARWLT[Gln450Arg]EEFHTAAVST